The following is an entry in ClinVar:

NM_002485.5(NBN):c.4del (p.Trp2fs)

Gene: NBN (nibrin; minus strand). Cytogenetic location: 8q21.3.
Variant type: Deletion.
Coding change: c.4del on transcript NM_002485.5 (MANE Select); coding-DNA position 4, one base deleted (T; older notation c.4delT).
Protein change: p.Trp2fs; shifts the reading frame from tryptophan 2.
Molecular consequence: frameshift variant. On other transcripts: 5 prime UTR variant (1).
Genome position (GRCh38, 1-based): chr8:89,984,558, A deleted on the plus strand (T on the coding strand, the reverse complement: NBN is on the minus strand). VCF-style (leftmost placement, unchanged base first): chr8-89984557-CA-C. GRCh37 (hg19) VCF-style: chr8-90996785-CA-C.
Other names: c.-293del (NM_001024688.3); short protein forms W2fs.
Identifiers: ClinVar variation 1075847 (VCV001075847.11), dbSNP rs1275657359, ClinGen allele CA583377192.

ClinVar aggregate classification (germline): Pathogenic/Likely pathogenic. Review status: criteria provided, multiple submitters, no conflicts (2 of 4 stars). 4 submissions from 4 submitters: Pathogenic (1); Likely pathogenic (3). Last evaluated 2025-05-19.

Conditions:
Hereditary cancer-predisposing syndrome. Also called: Neoplastic Syndromes, Hereditary; Hereditary neoplastic syndrome; Tumor predisposition; Hereditary Cancer Syndrome. Identifiers: Orphanet 140162, MedGen C0027672, MeSH D009386, MONDO:0015356.
Microcephaly, normal intelligence and immunodeficiency (NBS). Also called: SEEMANOVA SYNDROME II; Immunodeficiency, microcephaly with normal intelligence; IMMUNODEFICIENCY, MICROCEPHALY, AND CHROMOSOMAL INSTABILITY; Ataxia telangiectasia variant V1; BERLIN BREAKAGE SYNDROME; Nijmegen breakage syndrome. Identifiers: Orphanet 647, MedGen C0398791, MONDO:0009623, OMIM 251260.
Aplastic anemia. Identifiers: Orphanet 182040, Orphanet 88, MedGen C0002874, MONDO:0015909, OMIM 609135, HP:0001915.
Acute lymphoid leukemia (ALL). Also called: Acute lymphoblastic leukemia; Acute lymphocytic leukemia; Lymphoblastic leukemia; Leukemia, acute lymphoblastic, somatic. Identifiers: Orphanet 513, MedGen C0023449, MONDO:0004967, OMIM 613065, HP:0006721.

Allele frequency attached by ClinVar (database versions not stated): gnomAD exomes below 0.00001.

Submissions (4):

Labcorp Genetics (formerly Invitae), Labcorp
Classification: Pathogenic for Microcephaly, normal intelligence and immunodeficiency. Last evaluated: 2025-05-19. Review status: criteria provided, single submitter. Criteria: Invitae Variant Classification Sherloc (09022015). Collection method: clinical testing. Allele origin: germline.
Comment: This sequence change creates a premature translational stop signal (p.Trp2Glyfs*18) in the NBN gene. It is expected to result in an absent or disrupted protein product. Loss-of-function variants in NBN are known to be pathogenic (PMID: 9590180, 16415040). This variant is present in population databases (no rsID available, gnomAD 0.003%). This variant has not been reported in the literature in individuals affected with NBN-related conditions. ClinVar contains an entry for this variant (Variation ID: 1075847). For these reasons, this variant has been classified as Pathogenic.

Fulgent Genetics
Classification: Likely pathogenic for Microcephaly, normal intelligence and immunodeficiency; Aplastic anemia; Acute lymphoid leukemia. Last evaluated: 2024-06-18. Review status: criteria provided, single submitter. Criteria: ACMG Guidelines, 2015. Collection method: clinical testing. Allele origin: germline.

Baylor Genetics
Classification: Likely pathogenic for Aplastic anemia. Last evaluated: 2023-05-27. Review status: criteria provided, single submitter. Criteria: ACMG Guidelines, 2015. Collection method: clinical testing. Allele origin: unknown.

Ambry Genetics
Classification: Likely pathogenic for Hereditary cancer-predisposing syndrome. Last evaluated: 2021-12-14. Review status: criteria provided, single submitter. Criteria: Ambry Variant Classification Scheme 2023. Collection method: clinical testing. Allele origin: germline.
Comment: The c.4delT variant, located in coding exon 1 of the NBN gene, results from a deletion of one nucleotide at nucleotide position 4, causing a translational frameshift with a predicted alternate stop codon (p.W2Gfs*18). The predicted stop codon occurs within the first 150 nucleotides of theNBN gene. This alteration may escape nonsense-mediated mRNAdecay and/or be rescued by re-initiation (Rivas et al. Science. 2015 May 8;348(6235):666-9; Lindeboom et al. Nat Genet. 2016 Oct;48(10):1112-8; Rhee et al. Sci Rep. 2017 May 10;7(1):1653). However, the impacted region involves the forkhead-associated domain (FHA) which has been implicated in NBN function (Zhao S et al. Nucleic Acids Res., 2002 Nov;30:4815-22). Based on the majority of available evidence to date, this variant is likely to be pathogenic.

Literature cited by the submitters: PubMed 9590180 (cited by Labcorp Genetics (formerly Invitae), Labcorp); PubMed 16415040 (cited by Labcorp Genetics (formerly Invitae), Labcorp).